The following is an entry in ClinVar:

ClinVar aggregate classification (germline): Uncertain significance (1 of 4 stars; one submission).

Conditions:
Hereditary sensory and autonomic neuropathy type 1 (HSAN1). Also called: HSAN 1; HSN Type I; Hereditary Sensory Neuropathy Type I. Identifiers: Orphanet 36386, MedGen C0020071, MONDO:0018213.

Submission:

Labcorp Genetics (formerly Invitae), Labcorp
Classification: Uncertain significance for Hereditary sensory and autonomic neuropathy type 1. Last evaluated: 2024-02-15. Review status: criteria provided, single submitter. Criteria: Invitae Variant Classification Sherloc (09022015). Collection method: clinical testing. Allele origin: germline.
Comment: This sequence change replaces lysine, which is basic and polar, with threonine, which is neutral and polar, at codon 434 of the SPTLC1 protein (p.Lys434Thr). This variant is not present in population databases (gnomAD no frequency). This variant has not been reported in the literature in individuals affected with SPTLC1-related conditions. Advanced modeling of protein sequence and biophysical properties (such as structural, functional, and spatial information, amino acid conservation, physicochemical variation, residue mobility, and thermodynamic stability) has been performed at Invitae for this missense variant, however the output from this modeling did not meet the statistical confidence thresholds required to predict the impact of this variant on SPTLC1 protein function. In summary, the available evidence is currently insufficient to determine the role of this variant in disease. Therefore, it has been classified as a Variant of Uncertain Significance.

NM_006415.4(SPTLC1):c.1301A>C (p.Lys434Thr)

Gene: SPTLC1 (serine palmitoyltransferase long chain base subunit 1; minus strand). Cytogenetic location: 9q22.31.
Variant type: single nucleotide variant.
Coding change: c.1301A>C on transcript NM_006415.4 (MANE Select); coding-DNA position 1301, A replaced by C.
Protein change: p.Lys434Thr; replaces lysine 434 with threonine.
Molecular consequence: missense variant.
Genome position (GRCh38, 1-based): chr9:92,034,837, T>G on the plus strand (A>C on the coding strand, the complement: SPTLC1 is on the minus strand). VCF-style: chr9-92034837-T-G. GRCh37 (hg19) VCF-style: chr9-94797119-T-G.
Other names: c.1301A>C, p.Lys434Thr (NM_001281303.2); c.935A>C, p.Lys312Thr (NM_001368272.1); c.836A>C, p.Lys279Thr (NM_001368273.1); short protein forms K434T, K279T, K312T.
Identifiers: ClinVar variation 2701260 (VCV002701260.3), dbSNP rs2538368174, ClinGen allele CA373789734.